The following is an entry in ClinVar:

ClinVar aggregate classification (germline): Conflicting classifications of pathogenicity. Review status: criteria provided, conflicting classifications (1 of 4 stars). 5 submissions from 4 submitters: Uncertain significance (2); Benign (1); Likely benign (2). Last evaluated 2026-07-01.

Conditions:
Autosomal recessive ataxia, Beauce type. Also called: ATAXIA, RECESSIVE, OF BEAUCE; SYNE1-Related Autosomal Recessive Cerebellar Ataxia; Spinocerebellar ataxia, autosomal recessive 8; SYNE1 Deficiency. Identifiers: Orphanet 88644, MedGen C1853116, MONDO:0012549, OMIM 610743.
Emery-Dreifuss muscular dystrophy 4, autosomal dominant (EDMD4). Also called: EMERY-DREIFUSS MUSCULAR DYSTROPHY 4 WITH VARIABLE FEATURES. Identifiers: Orphanet 261, MedGen C2751807, MONDO:0013071, OMIM 612998.

Allele frequency attached by ClinVar (database versions not stated): gnomAD exomes 0.00006 and 0.00014; gnomAD 0.00008; TOPMed 0.00011; ExAC 0.00012.
gnomAD v4.1: 92 of 1,614,212 alleles (0.0057%); highest among the groups gnomAD compares: Admixed American, 0.063%; no homozygotes.

Submissions (5):

CeGaT Center for Human Genetics Tuebingen
Classification: Likely benign. Last evaluated: 2026-07-01. Review status: criteria provided, single submitter. Criteria: CeGaT Center For Human Genetics Tuebingen Variant Classification Criteria Version 2. Collection method: clinical testing. Allele origin: germline. Affected: yes. Observed: 1 variant allele.
Comment: SYNE1: BP4, BP7

Labcorp Genetics (formerly Invitae), Labcorp
Classification: Likely benign for Emery-Dreifuss muscular dystrophy 4, autosomal dominant; Autosomal recessive ataxia, Beauce type. Last evaluated: 2025-10-18. Review status: criteria provided, single submitter. Criteria: Invitae Variant Classification Sherloc (09022015). Collection method: clinical testing. Allele origin: germline.

Illumina Laboratory Services, Illumina
Classification: Benign for Emery-Dreifuss muscular dystrophy 4, autosomal dominant. Last evaluated: 2018-01-13. Review status: criteria provided, single submitter. Criteria: ICSL Variant Classification Criteria 13 December 2019. Collection method: clinical testing. Allele origin: germline.
Comment: This variant was observed in the ICSL laboratory as part of a predisposition screen in an ostensibly healthy population. It had not been previously curated by ICSL or reported in the Human Gene Mutation Database (HGMD: prior to June 1st, 2018), and was therefore a candidate for classification through an automated scoring system. Utilizing variant allele frequency, disease prevalence and penetrance estimates, and inheritance mode, an automated score was calculated to assess if this variant is too frequent to cause the disease. Based on the score and internal cut-off values, a variant classified as benign is not then subjected to further curation. The score for this variant resulted in a classification of benign for this disease.

Illumina Laboratory Services, Illumina
Classification: Uncertain significance for Autosomal recessive ataxia, Beauce type. Last evaluated: 2018-01-13. Review status: criteria provided, single submitter. Criteria: ICSL Variant Classification Criteria 13 December 2019. Collection method: clinical testing. Allele origin: germline.

Eurofins Ntd Llc (ga)
Classification: Uncertain significance. Last evaluated: 2016-11-22. Review status: criteria provided, single submitter. Criteria: EGL Classification Definitions 2015. Collection method: clinical testing. Allele origin: germline. Observed: 4 variant alleles, 4 heterozygotes.

NM_182961.4(SYNE1):c.25575G>A (p.Ser8525=)

Gene: SYNE1 (spectrin repeat containing nuclear envelope protein 1; minus strand). Cytogenetic location: 6q25.2.
Variant type: single nucleotide variant.
Coding change: c.25575G>A on transcript NM_182961.4 (MANE Select); coding-DNA position 25575, G replaced by A.
Protein change: p.Ser8525=; no amino-acid change (serine 8525 retained).
Molecular consequence: synonymous variant.
Genome position (GRCh38, 1-based): chr6:152,136,702, C>T on the plus strand (G>A on the coding strand, the complement: SYNE1 is on the minus strand). VCF-style: chr6-152136702-C-T. GRCh37 (hg19) VCF-style: chr6-152457837-C-T.
Other names: c.2181G>A, p.Ser727= (NM_001347701.2); c.2109G>A, p.Ser703= (NM_001347702.2); c.25431G>A, p.Ser8477= (NM_033071.5).
Identifiers: ClinVar variation 285151 (VCV000285151.20), dbSNP rs776288515, ClinGen allele CA4052796.